The following is an entry in ClinVar:

ClinVar aggregate classification (germline): Uncertain significance (1 of 4 stars; one submission).

Conditions:
Hereditary sensory and autonomic neuropathy type 7. Also called: HSAN VII; Neuropathy, hereditary sensory and autonomic, type VII. Identifiers: Orphanet 391397, MedGen C3809882, MONDO:0014244, OMIM 615548.
Familial episodic pain syndrome with predominantly lower limb involvement. Also called: Episodic pain syndrome, familial, 3. Identifiers: Orphanet 391384, Orphanet 391392, MedGen C3809899, MONDO:0014247, OMIM 615552.

Submission:

Labcorp Genetics (formerly Invitae), Labcorp
Classification: Uncertain significance for Familial episodic pain syndrome with predominantly lower limb involvement; Hereditary sensory and autonomic neuropathy type 7. Last evaluated: 2020-02-28. Review status: criteria provided, single submitter. Criteria: Invitae Variant Classification Sherloc (09022015). Collection method: clinical testing. Allele origin: germline.
Comment: Algorithms developed to predict the effect of missense changes on protein structure and function output the following: SIFT: "Deleterious"; PolyPhen-2: "Benign"; Align-GVGD: "Class C0". The isoleucine amino acid residue is found in multiple mammalian species, suggesting that this missense change does not adversely affect protein function. These predictions have not been confirmed by published functional studies and their clinical significance is uncertain. This sequence change replaces methionine with isoleucine at codon 885 of the SCN11A protein (p.Met885Ile). The methionine residue is weakly conserved and there is a small physicochemical difference between methionine and isoleucine. This variant is not present in population databases (ExAC no frequency). This variant has not been reported in the literature in individuals with SCN11A-related conditions. Algorithms developed to predict the effect of sequence changes on RNA splicing suggest that this variant may create or strengthen a splice site, but this prediction has not been confirmed by published transcriptional studies. In summary, the available evidence is currently insufficient to determine the role of this variant in disease. Therefore, it has been classified as a Variant of Uncertain Significance.

NM_001349253.2(SCN11A):c.2655G>A (p.Met885Ile)

Gene: SCN11A (sodium voltage-gated channel alpha subunit 11; minus strand). Cytogenetic location: 3p22.2.
Variant type: single nucleotide variant.
Coding change: c.2655G>A on transcript NM_001349253.2 (MANE Select); coding-DNA position 2655, G replaced by A.
Protein change: p.Met885Ile; replaces methionine 885 with isoleucine.
Molecular consequence: missense variant.
Genome position (GRCh38, 1-based): chr3:38,894,713, C>T on the plus strand (G>A on the coding strand, the complement: SCN11A is on the minus strand). VCF-style: chr3-38894713-C-T. GRCh37 (hg19) VCF-style: chr3-38936204-C-T.
Other names: c.2655G>A, p.Met885Ile (NM_014139.3); short protein forms M885I.
Identifiers: ClinVar variation 1036942 (VCV001036942.5), dbSNP rs2065562446, ClinGen allele CA352174666.